The following is an entry in ClinVar:

NM_000170.3(GLDC):c.183C>A (p.Asp61Glu)

Gene: GLDC (glycine decarboxylase; minus strand). Cytogenetic location: 9p24.1.
Variant type: single nucleotide variant.
Coding change: c.183C>A on transcript NM_000170.3 (MANE Select); coding-DNA position 183, C replaced by A.
Protein change: p.Asp61Glu; replaces aspartic acid 61 with glutamic acid.
Molecular consequence: missense variant.
Genome position (GRCh38, 1-based): chr9:6,645,317, G>T on the plus strand (C>A on the coding strand, the complement: GLDC is on the minus strand). VCF-style: chr9-6645317-G-T. GRCh37 (hg19) VCF-style: chr9-6645317-G-T.
Other names: short protein forms D61E.
Identifiers: ClinVar variation 423375 (VCV000423375.5), dbSNP rs375497905, ClinGen allele CA4981278.
Genomic context (GRCh38, chr9:6,645,317, plus strand): 5'-GGTCTGCAGCATCTCTCTCTGGTCTTTGTCCCCAGGGCCGATGTGCCTCCGAGCGAAGTC[G>T]TCGTGTCTGGGCAGAAGGCGCTCCAGGAGGCGCGAGGCCCCAGCCGCGGCGCTGTCCCCG-3'
Protein context (NP_000161.2, residues 51-71): RLLERLLPRH[Asp61Glu]DFARRHIGPG

ClinVar aggregate classification (germline): Uncertain significance. Review status: criteria provided, multiple submitters, no conflicts (2 of 4 stars). 3 submissions from 3 submitters: Uncertain significance (2). 1 of the submissions does not count toward it. Last evaluated 2022-08-15.

Conditions:
Glycine encephalopathy. Also called: Nonketotic hyperglycinemia; Non-ketotic hyperglycinemia. Identifiers: Orphanet 407, MedGen C0751748, MONDO:0011612, HP:0008288.

Allele frequency attached by ClinVar (database versions not stated): ExAC 0.00003; gnomAD exomes 0.00003; TOPMed 0.00004; ESP Exome Variant Server 0.00008.
gnomAD v4.1: 110 of 1,590,070 alleles (0.0069%); highest among the groups gnomAD compares: Non-Finnish European, 0.0087%; no homozygotes.

Submissions (3):

Labcorp Genetics (formerly Invitae), Labcorp
Classification: Uncertain significance for Glycine encephalopathy. Last evaluated: 2022-08-15. Review status: criteria provided, single submitter. Criteria: Invitae Variant Classification Sherloc (09022015). Collection method: clinical testing. Allele origin: germline.
Comment: This sequence change replaces aspartic acid, which is acidic and polar, with glutamic acid, which is acidic and polar, at codon 61 of the GLDC protein (p.Asp61Glu). This variant is present in population databases (rs375497905, gnomAD 0.007%). This variant has not been reported in the literature in individuals affected with GLDC-related conditions. ClinVar contains an entry for this variant (Variation ID: 423375). Advanced modeling of protein sequence and biophysical properties (such as structural, functional, and spatial information, amino acid conservation, physicochemical variation, residue mobility, and thermodynamic stability) performed at Invitae indicates that this missense variant is not expected to disrupt GLDC protein function. In summary, the available evidence is currently insufficient to determine the role of this variant in disease. Therefore, it has been classified as a Variant of Uncertain Significance.

GeneDx
Classification: Uncertain significance. Last evaluated: 2017-02-06. Review status: criteria provided, single submitter. Criteria: GeneDx Variant Classification (06012015). Collection method: clinical testing. Allele origin: germline. Affected: yes.
Comment: The D61E variant in the GLDC gene has not been reported previously as a pathogenic variant, nor as a benign variant, to our knowledge. The D61E variant is not observed at a significant frequency in large population cohorts (Lek et al., 2016; 1000 Genomes Consortium et al., 2015; Exome Variant Server). The D61E variant is a conservative amino acid substitution, which is not likely to impact secondary protein structure as these residues share similar properties. This substitution occurs at a position that is conserved across species. In silico analysis is inconsistent in its predictions as to whether or not the variant is damaging to the protein structure/function. We interpret D61E as a variant of uncertain significance.

Natera, Inc.
Classification: Uncertain significance for Non-ketotic hyperglycinemia. Last evaluated: 2019-11-11. Review status: no assertion criteria provided. Collection method: clinical testing. Allele origin: germline. Not counted in ClinVar's aggregate classification.